The following is an entry in ClinVar:

ClinVar aggregate classification (germline): Uncertain significance (1 of 4 stars; one submission).

Submission:

GeneDx
Classification: Uncertain significance. Last evaluated: 2025-01-10. Review status: criteria provided, single submitter. Criteria: GeneDx Variant Classification Process June 2021. Collection method: clinical testing. Allele origin: germline. Affected: yes.
Comment: Not observed at significant frequency in large population cohorts (gnomAD); In silico analysis supports that this missense variant has a deleterious effect on protein structure/function; Has not been previously published as pathogenic or benign to our knowledge

NM_001130438.3(SPTAN1):c.2722G>A (p.Glu908Lys)

Gene: SPTAN1 (spectrin alpha, non-erythrocytic 1; plus strand). Cytogenetic location: 9q34.11.
Variant type: single nucleotide variant.
Coding change: c.2722G>A on transcript NM_001130438.3 (MANE Select); coding-DNA position 2722, G replaced by A.
Protein change: p.Glu908Lys; replaces glutamic acid 908 with lysine.
Molecular consequence: missense variant.
Genome position (GRCh38, 1-based): chr9:128,585,909, G>A. VCF-style: chr9-128585909-G-A. GRCh37 (hg19) VCF-style: chr9-131348188-G-A.
Other names: c.2722G>A, p.Glu908Lys (NM_001195532.2, NM_001363759.2, NM_001363765.2 and 5 more transcripts); c.2758G>A, p.Glu920Lys (NM_001375312.2, NM_001375318.1); short protein forms E908K, E920K.
Identifiers: ClinVar variation 4056997 (VCV004056997.1).